The following is an entry in ClinVar:

ClinVar aggregate classification (germline): Uncertain significance (1 of 4 stars; one submission).

Submission:

Ambry Genetics
Classification: Uncertain significance. Last evaluated: 2023-06-29. Review status: criteria provided, single submitter. Criteria: Ambry Variant Classification Scheme 2023. Collection method: clinical testing. Allele origin: germline.
Comment: The p.T445P variant (also known as c.1333A>C), located in coding exon 13 of the SLMAP gene, results from an A to C substitution at nucleotide position 1333. The threonine at codon 445 is replaced by proline, an amino acid with highly similar properties. This amino acid position is conserved. In addition, the in silico prediction for this alteration is inconclusive. Since supporting evidence is limited at this time, the clinical significance of this alteration remains unclear.

NM_001377540.1(SLMAP):c.1435A>C (p.Thr479Pro)

Gene: SLMAP (sarcolemma associated protein; plus strand). Cytogenetic location: 3p14.3.
Variant type: single nucleotide variant.
Coding change: c.1435A>C on transcript NM_001377540.1 (MANE Select); coding-DNA position 1435, A replaced by C.
Protein change: p.Thr479Pro; replaces threonine 479 with proline.
Molecular consequence: missense variant. On other transcripts: 5 prime UTR variant (7), non-coding transcript variant (1).
Genome position (GRCh38, 1-based): chr3:57,896,585, A>C. VCF-style: chr3-57896585-A-C. GRCh37 (hg19) VCF-style: chr3-57882312-A-C.
Other names: c.1384A>C, p.Thr462Pro (NM_001304420.3, NM_001377541.1, NM_001377542.1 and 2 more transcripts); c.1270A>C, p.Thr424Pro (NM_001304421.2, NM_001377557.1, NM_001377559.1 and 1 more transcripts); c.-15A>C (NM_001304422.3, NM_001304423.3, NM_001311178.2 and 4 more transcripts); c.1435A>C, p.Thr479Pro (NM_001377538.1, NM_001377539.1, NM_001377555.1); c.1372A>C, p.Thr458Pro (NM_001377545.1, NM_001377922.1); c.1333A>C, p.Thr445Pro (NM_001377549.1, NM_001377923.1, NM_007159.5); c.1321A>C, p.Thr441Pro (NM_001377551.1, NM_001377552.1, NM_001377924.1); short protein forms T441P, T462P, T479P, T424P, T445P, T458P.
Identifiers: ClinVar variation 2625277 (VCV002625277.2), dbSNP rs1429521844, ClinGen allele CA353412185.